The following is an entry in ClinVar:

ClinVar aggregate classification (germline): Uncertain significance (1 of 4 stars; one submission).

Conditions:
Early-infantile DEE. Also called: Ohtahara syndrome; Early infantile epileptic encephalopathy; Early infantile epileptic encephalopathy with suppression bursts. Identifiers: Orphanet 1934, MedGen C0393706, MONDO:0800491.

Allele frequency attached by ClinVar (database versions not stated): gnomAD exomes below 0.00001 and 0.00001; ExAC 0.00001; gnomAD 0.00002; TOPMed 0.00002.
gnomAD v4.1: 19 of 1,613,548 alleles (0.0012%); highest among the groups gnomAD compares: South Asian, 0.0022%; no homozygotes.

Submission:

Labcorp Genetics (formerly Invitae), Labcorp
Classification: Uncertain significance for Early-infantile DEE. Last evaluated: 2025-12-22. Review status: criteria provided, single submitter. Criteria: Invitae Variant Classification Sherloc (09022015). Collection method: clinical testing. Allele origin: germline.
Comment: This sequence change replaces alanine, which is neutral and non-polar, with valine, which is neutral and non-polar, at codon 628 of the KCNH5 protein (p.Ala628Val). The frequency data for this variant in the population databases is considered unreliable, as metrics indicate poor data quality at this position in the gnomAD database. This missense change has been observed in individual(s) with clinical features of KCNH5-related conditions (PMID: 33057194; internal data). ClinVar contains an entry for this variant (Variation ID: 1493772). An algorithm developed to predict the effect of missense changes on protein structure and function (PolyPhen-2) suggests that this variant is likely to be tolerated. In summary, the available evidence is currently insufficient to determine the role of this variant in disease. Therefore, it has been classified as a Variant of Uncertain Significance.

Literature cited by the submitters: PubMed 33057194.

NM_139318.5(KCNH5):c.1883C>T (p.Ala628Val)

Gene: KCNH5 (potassium voltage-gated channel subfamily H member 5; minus strand). Cytogenetic location: 14q23.2.
Variant type: single nucleotide variant.
Coding change: c.1883C>T on transcript NM_139318.5 (MANE Select); coding-DNA position 1883, C replaced by T.
Protein change: p.Ala628Val; replaces alanine 628 with valine.
Molecular consequence: missense variant. On other transcripts: intron variant (1).
Genome position (GRCh38, 1-based): chr14:62,779,864, G>A on the plus strand (C>T on the coding strand, the complement: KCNH5 is on the minus strand). VCF-style: chr14-62779864-G-A. GRCh37 (hg19) VCF-style: chr14-63246582-G-A.
Other names: c.1822+22465C>T (NM_172375.3); short protein forms A628V.
Identifiers: ClinVar variation 1493772 (VCV001493772.9), dbSNP rs761541451, ClinGen allele CA7217385.
Genomic context (GRCh38, chr14:62,779,864, plus strand): 5'-TTGAGCAAGGCTTCCCGCTTGATGATGTGTAGGTCACAGTACGTCAGTGCCCGGACGTTC[G>A]CACATGCATGGGCAAGGGTGGTTTCCTTCCAGAAGATGTCTCCAAATACATCACCCTTCC-3'
Protein context (NP_647479.2, residues 618-638): WKETTLAHAC[Ala628Val]NVRALTYCDL